The following is an entry in ClinVar:

NM_020822.3(KCNT1):c.395T>C (p.Val132Ala)

Gene: KCNT1 (potassium sodium-activated channel subfamily T member 1; plus strand). Cytogenetic location: 9q34.3.
Variant type: single nucleotide variant.
Coding change: c.395T>C on transcript NM_020822.3 (MANE Select); coding-DNA position 395, T replaced by C.
Protein change: p.Val132Ala; replaces valine 132 with alanine.
Molecular consequence: missense variant.
Genome position (GRCh38, 1-based): chr9:135,751,002, T>C. VCF-style: chr9-135751002-T-C. GRCh37 (hg19) VCF-style: chr9-138642848-T-C.
Other names: c.251T>C, p.Val84Ala (NM_001272003.2); short protein forms V132A, V84A.
Identifiers: ClinVar variation 3751846 (VCV003751846.2).

ClinVar aggregate classification (germline): Uncertain significance (1 of 4 stars; one submission).

Conditions:
Autosomal dominant nocturnal frontal lobe epilepsy 5. Also called: KCNT1-Related Epilepsy; CILIARY DYSKINESIA, PRIMARY, 28, WITHOUT SITUS INVERSUS; CILIARY DYSKINESIA, PRIMARY, 28, WITH SITUS INVERSUS; Epilepsy, nocturnal frontal lobe, 5. Identifiers: Orphanet 98784, MedGen C3554306, MONDO:0014002, OMIM 615005.
Developmental and epileptic encephalopathy, 14 (DEE14). Also called: Early infantile epileptic encephalopathy 14. Identifiers: Orphanet 293181, MedGen C3554195, MONDO:0013989, OMIM 614959.

Submission:

Labcorp Genetics (formerly Invitae), Labcorp
Classification: Uncertain significance for Autosomal dominant nocturnal frontal lobe epilepsy 5; Developmental and epileptic encephalopathy, 14. Last evaluated: 2024-12-07. Review status: criteria provided, single submitter. Criteria: Invitae Variant Classification Sherloc (09022015). Collection method: clinical testing. Allele origin: germline.
Comment: This sequence change replaces valine, which is neutral and non-polar, with alanine, which is neutral and non-polar, at codon 132 of the KCNT1 protein (p.Val132Ala). This variant is not present in population databases (gnomAD no frequency). This variant has not been reported in the literature in individuals affected with KCNT1-related conditions. Invitae Evidence Modeling of protein sequence and biophysical properties (such as structural, functional, and spatial information, amino acid conservation, physicochemical variation, residue mobility, and thermodynamic stability) indicates that this missense variant is not expected to disrupt KCNT1 protein function with a negative predictive value of 80%. In summary, the available evidence is currently insufficient to determine the role of this variant in disease. Therefore, it has been classified as a Variant of Uncertain Significance.